The following is an entry in ClinVar:

NM_022114.4(PRDM16):c.3285-81A>G

Gene: PRDM16 (PR/SET domain 16; plus strand). Cytogenetic location: 1p36.32.
Variant type: single nucleotide variant.
Coding change: c.3285-81A>G on transcript NM_022114.4 (MANE Select); 81 bases into the intron before coding-DNA position 3285, A replaced by G.
Molecular consequence: intron variant.
Genome position (GRCh38, 1-based): chr1:3,430,791, A>G. VCF-style: chr1-3430791-A-G. GRCh37 (hg19) VCF-style: chr1-3347355-A-G.
Other names: c.3285-81A>G (NM_199454.3).
Identifiers: ClinVar variation 676340 (VCV000676340.2), dbSNP rs2493276, ClinGen allele CA16989752.

ClinVar aggregate classification (germline): Benign. Review status: criteria provided, multiple submitters, no conflicts (2 of 4 stars). 2 submissions from 2 submitters: Benign (2). Last evaluated 2018-06-14.

Allele frequency attached by ClinVar (database versions not stated): gnomAD exomes 0.00533; gnomAD 0.05534 and 0.05950; 1000 Genomes Project 0.06290; TOPMed 0.06310; 1000 Genomes Project 30x 0.06730.

Submissions (2):

GeneDx
Classification: Benign. Last evaluated: 2018-06-14. Review status: criteria provided, single submitter. Criteria: GeneDx Variant Classification (06012015). Collection method: clinical testing. Allele origin: germline. Affected: yes.
Comment: This variant is considered likely benign or benign based on one or more of the following criteria: it is a conservative change, it occurs at a poorly conserved position in the protein, it is predicted to be benign by multiple in silico algorithms, and/or has population frequency not consistent with disease.

Breakthrough Genomics
Classification: Benign. Review status: criteria provided, single submitter. Criteria: ACMG Guidelines, 2015. Collection method: not provided. Allele origin: germline. Inheritance: Autosomal dominant inheritance. Affected: yes.